The following is an entry in ClinVar:

ClinVar aggregate classification (germline): Uncertain significance. Review status: criteria provided, multiple submitters, no conflicts (2 of 4 stars). 2 submissions from 2 submitters: Uncertain significance (2). Last evaluated 2024-05-01.

Conditions:
Weill-Marchesani 4 syndrome, recessive. Also called: Weill-Marchesani syndrome 4. Identifiers: Orphanet 363992, MedGen C2750787, MONDO:0013176, OMIM 613195.

Allele frequency attached by ClinVar (database versions not stated): gnomAD exomes below 0.00001.
gnomAD v4.1: 2 of 1,614,194 alleles (0.00012%); highest among the groups gnomAD compares: Non-Finnish European, 0.00017%; no homozygotes.

Submissions (2):

Fulgent Genetics
Classification: Uncertain significance for Weill-Marchesani 4 syndrome, recessive. Last evaluated: 2024-05-01. Review status: criteria provided, single submitter. Criteria: ACMG Guidelines, 2015. Collection method: clinical testing. Allele origin: germline.

Labcorp Genetics (formerly Invitae), Labcorp
Classification: Uncertain significance. Last evaluated: 2022-03-15. Review status: criteria provided, single submitter. Criteria: Invitae Variant Classification Sherloc (09022015). Collection method: clinical testing. Allele origin: germline.
Comment: This sequence change replaces histidine, which is basic and polar, with arginine, which is basic and polar, at codon 612 of the ADAMTS17 protein (p.His612Arg). This variant is not present in population databases (gnomAD no frequency). This variant has not been reported in the literature in individuals affected with ADAMTS17-related conditions. Algorithms developed to predict the effect of missense changes on protein structure and function are either unavailable or do not agree on the potential impact of this missense change (SIFT: "Not Available"; PolyPhen-2: "Benign"; Align-GVGD: "Not Available"). In summary, the available evidence is currently insufficient to determine the role of this variant in disease. Therefore, it has been classified as a Variant of Uncertain Significance.

NM_139057.4(ADAMTS17):c.1835A>G (p.His612Arg)

Gene: ADAMTS17 (ADAM metallopeptidase with thrombospondin type 1 motif 17; minus strand). Cytogenetic location: 15q26.3.
Variant type: single nucleotide variant.
Coding change: c.1835A>G on transcript NM_139057.4 (MANE Select); coding-DNA position 1835, A replaced by G.
Protein change: p.His612Arg; replaces histidine 612 with arginine.
Molecular consequence: missense variant.
Genome position (GRCh38, 1-based): chr15:100,116,900, T>C on the plus strand (A>G on the coding strand, the complement: ADAMTS17 is on the minus strand). VCF-style: chr15-100116900-T-C. GRCh37 (hg19) VCF-style: chr15-100657105-T-C.
Other names: short protein forms H612R.
Identifiers: ClinVar variation 1517015 (VCV001517015.7), dbSNP rs2037168791, ClinGen allele CA393933231.